The following is an entry in ClinVar:

ClinVar aggregate classification (germline): Uncertain significance (1 of 4 stars; one submission).

Conditions:
Atypical hemolytic-uremic syndrome. Identifiers: Orphanet 2134, MedGen C2931788, MONDO:0016244.

gnomAD v4.1: 1 of 1,612,310 alleles (0.000062%); no homozygotes.

Submission:

Genomenon, Inc
Classification: Uncertain significance for Atypical hemolytic-uremic syndrome. Last evaluated: 2025-10-02. Review status: criteria provided, single submitter. Criteria: Genomenon Sequence Variant Interpretation Standards - Updated. Collection method: curation. Allele origin: germline. Affected: yes.
Comment: CFH p.Pro279Leu (c.836C>T) is a missense variant that changes the amino acid at residue 279 from Proline to Leucine. This variant has been observed in at least one proband affected with atypical hemolytic-uremic syndrome (PMID:28596415). It is absent or not present at a significant frequency in gnomAD. In conclusion, we classify CFH p.Pro279Leu (c.836C>T) as a variant of uncertain significance.

Literature cited by the submitters: PubMed 28596415.

NM_000186.4(CFH):c.836C>T (p.Pro279Leu)

Gene: CFH (complement factor H; plus strand). Cytogenetic location: 1q31.3.
Variant type: single nucleotide variant.
Coding change: c.836C>T on transcript NM_000186.4 (MANE Select); coding-DNA position 836, C replaced by T.
Protein change: p.Pro279Leu; replaces proline 279 with leucine.
Molecular consequence: missense variant.
Genome position (GRCh38, 1-based): chr1:196,685,109, C>T. VCF-style: chr1-196685109-C-T. GRCh37 (hg19) VCF-style: chr1-196654239-C-T.
Other names: c.836C>T, p.Pro279Leu (NM_001014975.3); short protein forms P279L.
Identifiers: ClinVar variation 4291330 (VCV004291330.1).